The following is an entry in ClinVar:

NM_016642.4(SPTBN5):c.5664C>T (p.Thr1888=)

Gene: SPTBN5 (spectrin beta, non-erythrocytic 5; minus strand). Cytogenetic location: 15q15.1.
Variant type: single nucleotide variant.
Coding change: c.5664C>T on transcript NM_016642.4 (MANE Select); coding-DNA position 5664, C replaced by T.
Protein change: p.Thr1888=; no amino-acid change (threonine 1888 retained).
Molecular consequence: synonymous variant.
Genome position (GRCh38, 1-based): chr15:41,870,252, G>A on the plus strand (C>T on the coding strand, the complement: SPTBN5 is on the minus strand). VCF-style: chr15-41870252-G-A. GRCh37 (hg19) VCF-style: chr15-42162450-G-A.
Identifiers: ClinVar variation 3050571 (VCV003050571.2), dbSNP rs751217361, ClinGen allele CA7502880.

ClinVar aggregate classification (germline): Likely benign (0 of 4 stars; one submission).

Conditions:
SPTBN5-related disorder. Also called: SPTBN5-related condition.

Allele frequency attached by ClinVar (database versions not stated): gnomAD 0.00001; TOPMed 0.00001; gnomAD exomes 0.00002.
gnomAD v4.1: 27 of 1,549,522 alleles (0.0017%); highest among the groups gnomAD compares: African/African-American, 0.0027%; no homozygotes.

Submission:

PreventionGenetics, part of Exact Sciences
Classification: Likely benign for SPTBN5-related condition. Last evaluated: 2019-07-16. Review status: no assertion criteria provided. Collection method: clinical testing. Allele origin: germline.
Comment: This variant is classified as likely benign based on ACMG/AMP sequence variant interpretation guidelines (Richards et al. 2015 PMID: 25741868, with internal and published modifications).